The following is an entry in ClinVar:

ClinVar aggregate classification (germline): Conflicting classifications of pathogenicity. Review status: criteria provided, conflicting classifications (1 of 4 stars). 2 submissions from 2 submitters: Uncertain significance (1); Likely benign (1). Last evaluated 2024-07-29.

Conditions:
Catecholaminergic polymorphic ventricular tachycardia (CVPT). Also called: Catecholamine-induced polymorphic ventricular tachycardia. Identifiers: Orphanet 3286, MedGen C5574922, MONDO:0017990.

gnomAD v4.1: 5 of 1,613,514 alleles (0.00031%); highest among the groups gnomAD compares: Non-Finnish European, 0.000085%; no homozygotes.

Submissions (2):

All of Us Research Program, National Institutes of Health
Classification: Uncertain significance for Catecholaminergic polymorphic ventricular tachycardia. Last evaluated: 2024-07-29. Review status: criteria provided, single submitter. Criteria: ACMG Guidelines, 2015. Collection method: clinical testing. Allele origin: germline. Inheritance: Autosomal dominant inheritance. Observed: 1 variant allele, 1 heterozygote.
Comment: This missense variant replaces isoleucine with methionine at codon 4252 of the RYR2 protein. Computational prediction suggests that this variant may not impact protein structure and function (internally defined REVEL score threshold <= 0.5, PMID: 27666373). To our knowledge, functional studies have not been reported for this variant. This variant has not been reported in individuals affected with RYR2-related disorders in the literature. This variant has been identified in 2/278882 chromosomes in the general population by the Genome Aggregation Database (gnomAD). The available evidence is insufficient to determine the role of this variant in disease conclusively. Therefore, this variant is classified as a Variant of Uncertain Significance.

This study involves interpretation of variants in research participants for the purpose of population health screening. Participant phenotype was not available at the time of variant classification. Additional details can be found in publication PMID: 35346344, PMCID: PMC8962531

Blueprint Genetics
Classification: Likely benign. Last evaluated: 2022-04-22. Review status: criteria provided, single submitter. Criteria: ACMG Guidelines, 2015. Collection method: clinical testing. Allele origin: germline.

NM_001035.3(RYR2):c.12756C>G (p.Ile4252Met)

Genes: RYR2 (ryanodine receptor 2; plus strand), LOC126806068 (BRD4-independent group 4 enhancer GRCh37_chr1:237947411-237948610; plus strand). Cytogenetic location: 1q43.
Variant type: single nucleotide variant.
Coding change: c.12756C>G on transcript NM_001035.3 (MANE Select); coding-DNA position 12756, C replaced by G.
Protein change: p.Ile4252Met; replaces isoleucine 4252 with methionine.
Molecular consequence: missense variant.
Genome position (GRCh38, 1-based): chr1:237,784,468, C>G. VCF-style: chr1-237784468-C-G. GRCh37 (hg19) VCF-style: chr1-237947768-C-G.
Other names: short protein forms I4252M.
Identifiers: ClinVar variation 3385856 (VCV003385856.2).